The following is an entry in ClinVar:

NM_000435.3(NOTCH3):c.4381G>A (p.Gly1461Ser)

Gene: NOTCH3 (notch receptor 3; minus strand). Cytogenetic location: 19p13.12.
Variant type: single nucleotide variant.
Coding change: c.4381G>A on transcript NM_000435.3 (MANE Select); coding-DNA position 4381, G replaced by A.
Protein change: p.Gly1461Ser; replaces glycine 1461 with serine.
Molecular consequence: missense variant.
Genome position (GRCh38, 1-based): chr19:15,177,547, C>T on the plus strand (G>A on the coding strand, the complement: NOTCH3 is on the minus strand). VCF-style: chr19-15177547-C-T. GRCh37 (hg19) VCF-style: chr19-15288358-C-T.
Other names: short protein forms G1461S.
Identifiers: ClinVar variation 1487296 (VCV001487296.6), dbSNP rs1309726793, ClinGen allele CA404503242.

ClinVar aggregate classification (germline): Uncertain significance (1 of 4 stars; one submission).

Allele frequency attached by ClinVar (database versions not stated): gnomAD exomes below 0.00001; TOPMed below 0.00001; gnomAD 0.00001.
gnomAD v4.1: 5 of 1,610,046 alleles (0.00031%); highest among the groups gnomAD compares: African/African-American, 0.0013%; no homozygotes.

Submission:

Labcorp Genetics (formerly Invitae), Labcorp
Classification: Uncertain significance. Last evaluated: 2024-02-24. Review status: criteria provided, single submitter. Criteria: Invitae Variant Classification Sherloc (09022015). Collection method: clinical testing. Allele origin: germline.
Comment: This sequence change replaces glycine, which is neutral and non-polar, with serine, which is neutral and polar, at codon 1461 of the NOTCH3 protein (p.Gly1461Ser). The frequency data for this variant in the population databases is considered unreliable, as metrics indicate poor data quality at this position in the gnomAD database. This variant has not been reported in the literature in individuals affected with NOTCH3-related conditions. ClinVar contains an entry for this variant (Variation ID: 1487296). Advanced modeling of protein sequence and biophysical properties (such as structural, functional, and spatial information, amino acid conservation, physicochemical variation, residue mobility, and thermodynamic stability) performed at Invitae indicates that this missense variant is not expected to disrupt NOTCH3 protein function with a negative predictive value of 95%. In summary, the available evidence is currently insufficient to determine the role of this variant in disease. Therefore, it has been classified as a Variant of Uncertain Significance.